The following is an entry in ClinVar:

NM_001378609.3(OTOGL):c.4483_4484del (p.Gln1495fs)

Gene: OTOGL (otogelin like; plus strand). Cytogenetic location: 12q21.31.
Variant type: Deletion.
Coding change: c.4483_4484del on transcript NM_001378609.3 (MANE Select); coding-DNA positions 4483 to 4484, 2 bases deleted (CA; older notation c.4483_4484delCA).
Protein change: p.Gln1495fs; shifts the reading frame from glutamine 1495.
Molecular consequence: frameshift variant.
Genome position (GRCh38, 1-based): chr12:80,336,023-80,336,024, CA deleted. VCF-style (leftmost placement, unchanged base first): chr12-80336022-GCA-G. GRCh37 (hg19) VCF-style: chr12-80729802-GCA-G.
Other names: c.4348_4349del, p.Gln1450fs (NM_001368062.3); c.4483_4484del, p.Gln1495fs (NM_001378610.3, NM_173591.7); short protein forms Q1450fs, Q1495fs.
Identifiers: ClinVar variation 3075965 (VCV003075965.1), dbSNP rs1398515998, ClinGen allele CA606199881.

ClinVar aggregate classification (germline): Likely pathogenic (1 of 4 stars; one submission).

Conditions:
Nonsyndromic genetic hearing loss. Also called: Nonsyndromic hearing loss and deafness; Non-syndromic genetic deafness; Nonsyndromic genetic deafness. Identifiers: Orphanet 87884, MedGen C5680182, MONDO:0019497.

Allele frequency attached by ClinVar (database versions not stated): gnomAD exomes below 0.00001; gnomAD 0.00001.

Submission:

Laboratory for Molecular Medicine, Mass General Brigham Personalized Medicine
Classification: Likely pathogenic for Nonsyndromic genetic hearing loss. Last evaluated: 2023-11-13. Review status: criteria provided, single submitter. Criteria: ACMG Guidelines, 2015. Collection method: clinical testing. Allele origin: germline. Inheritance: Autosomal recessive inheritance.
Comment: The p.Gln1450ValfsX7 variant in OTOGL has not been previously reported in individuals with hearing loss but has been identified in 0.002% (1/41408) of African chromosomes by gnomAD (v.3.1.2). This variant is predicted to cause a frameshift, which alters the protein’s amino acid sequence beginning at position 1450 and leads to a premature termination codon 7 amino acids downstream. This alteration is then predicted to lead to a truncated or absent protein. Biallelic loss of function of the OTOGL gene is an established disease mechanism in autosomal recessive hearing loss. In summary, although additional studies are required to fully establish its clinical significance, this variant meets criteria to be classified as likely pathogenic for autosomal recessive hearing loss. ACMG/AMP Criteria applied: PVS1, PM2_Supporting.